The following is an entry in ClinVar:

NM_181507.2(HPS5):c.2721A>G (p.Ser907=)

Gene: HPS5 (HPS5 biogenesis of lysosomal organelles complex 2 subunit 2; minus strand). Cytogenetic location: 11p15.1.
Variant type: single nucleotide variant.
Coding change: c.2721A>G on transcript NM_181507.2 (MANE Select); coding-DNA position 2721, A replaced by G.
Protein change: p.Ser907=; no amino-acid change (serine 907 retained).
Molecular consequence: synonymous variant.
Genome position (GRCh38, 1-based): chr11:18,286,707, T>C on the plus strand (A>G on the coding strand, the complement: HPS5 is on the minus strand). VCF-style: chr11-18286707-T-C. GRCh37 (hg19) VCF-style: chr11-18308254-T-C.
Other names: c.2379A>G, p.Ser793= (NM_007216.4, NM_181508.2).
Identifiers: ClinVar variation 717622 (VCV000717622.15), dbSNP rs139795577, ClinGen allele CA5909756.

ClinVar aggregate classification (germline): Conflicting classifications of pathogenicity. Review status: criteria provided, conflicting classifications (1 of 4 stars). 5 submissions from 5 submitters: Uncertain significance (1); Likely benign (4). Last evaluated 2026-01-28.

Conditions:
HPS5-related disorder. Also called: HPS5-related condition.
Hermansky-Pudlak syndrome 5 (HPS5). Identifiers: Orphanet 231512, Orphanet 79430, MedGen C3888004, MONDO:0013557, OMIM 614074.

Allele frequency attached by ClinVar (database versions not stated): gnomAD exomes 0.00029 and 0.00050; gnomAD 0.00030 and 0.00032; TOPMed 0.00035; ExAC 0.00041; ESP Exome Variant Server 0.00054.
gnomAD v4.1: 769 of 1,613,614 alleles (0.048%); highest among the groups gnomAD compares: Non-Finnish European, 0.061%; no homozygotes.

Submissions (5):

Labcorp Genetics (formerly Invitae), Labcorp
Classification: Likely benign. Last evaluated: 2026-01-28. Review status: criteria provided, single submitter. Criteria: Invitae Variant Classification Sherloc (09022015). Collection method: clinical testing. Allele origin: germline.

PreventionGenetics, part of Exact Sciences
Classification: Likely benign for HPS5-related condition. Last evaluated: 2025-04-07. Review status: criteria provided, single submitter. Criteria: ACMG Guidelines, 2015. Collection method: clinical testing. Allele origin: germline.
Comment: This variant is classified as likely benign based on ACMG/AMP sequence variant interpretation guidelines (Richards et al. 2015 PMID: 25741868, with internal and published modifications).

Blueprint Genetics
Classification: Likely benign. Last evaluated: 2024-11-21. Review status: criteria provided, single submitter. Criteria: ACMG Guidelines, 2015. Collection method: clinical testing. Allele origin: germline.

Women's Health and Genetics/Laboratory Corporation of America, LabCorp
Classification: Likely benign. Last evaluated: 2024-05-14. Review status: criteria provided, single submitter. Criteria: LabCorp Variant Classification Summary - May 2015. Collection method: clinical testing. Allele origin: germline.

Illumina Laboratory Services, Illumina
Classification: Uncertain significance for Hermansky-Pudlak syndrome 5. Last evaluated: 2018-01-12. Review status: criteria provided, single submitter. Criteria: ICSL Variant Classification Criteria 13 December 2019. Collection method: clinical testing. Allele origin: germline.